The following is an entry in ClinVar:

ClinVar aggregate classification (somatic clinical impact): Tier I - Strong (1 of 4 stars; one submission).

Conditions:
Dysembryoplastic neuroepithelial tumor. Identifiers: Orphanet 251946, MedGen C1266177, MONDO:0005505, HP:0033703.

Submission:

Institute for Genomic Medicine (IGM) Clinical Laboratory, Nationwide Children's Hospital
Classification: Tier I - Strong for Dysembryoplastic neuroepithelial tumor. Assertion type: diagnostic. Clinical significance: supports diagnosis. Last evaluated: 2025-07-15. Review status: criteria provided, single submitter. Criteria: AMP/ASCO/CAP Guidelines, 2017. Collection method: clinical testing. Allele origin: somatic. Affected: yes.
Comment: Variant has Tier I (strong) clinical significance as a diagnostic inclusion criterion in dysembryoplastic neuroepithelial tumor, based on the following evidence: 1) Appears in one or more well-established professional guidelines (e.g., World Health Organization [WHO]; National Comprehensive Cancer Network [NCCN]) as providing diagnostic, prognostic, or therapeutic information. 2) Diagnostic for a specific tumor type/classification according to professional guidelines (Evidence Level A; PMIDs: 26810070, 26920151, 30825062, 35836307). 3) Diagnostic significance based on multiple small studies (Evidence Level C).

Literature cited by the submitters: PubMed 26810070; PubMed 26920151; PubMed 30825062; PubMed 35836307.

NM_023110.3(FGFR1):c.1963_1966delinsGTCG (p.Lys655_Lys656delinsValGlu)

Gene: FGFR1 (fibroblast growth factor receptor 1; minus strand). Cytogenetic location: 8p11.23.
Variant type: Indel.
Coding change: c.1963_1966delinsGTCG on transcript NM_023110.3 (MANE Select); coding-DNA positions 1963 to 1966, AAAA replaced by GTCG.
Protein change: p.Lys655_Lys656delinsValGlu.
Molecular consequence: missense variant.
Genome position (GRCh38, 1-based): chr8:38,414,790-38,414,793, TTTT replaced by CGAC on the plus strand (AAAA replaced by GTCG on the coding strand, the reverse complement: FGFR1 is on the minus strand). VCF-style: chr8-38414790-TTTT-CGAC. GRCh37 (hg19) VCF-style: chr8-38272308-TTTT-CGAC.
Other names: c.1957_1960delinsGTCG, p.Lys653_Lys654delinsValGlu (NM_001174063.2, NM_001174065.2, NM_001354367.2 and 1 more transcripts); c.1933_1936delinsGTCG, p.Lys645_Lys646delinsValGlu (NM_001174064.2); c.1696_1699delinsGTCG, p.Lys566_Lys567delinsValGlu (NM_001174066.2, NM_023105.3); c.2056_2059delinsGTCG, p.Lys686_Lys687delinsValGlu (NM_001174067.2); c.1684_1687delinsGTCG, p.Lys562_Lys563delinsValGlu (NM_001354368.2); c.1951_1954delinsGTCG, p.Lys651_Lys652delinsValGlu (NM_001354369.2, NM_001410922.1); c.1690_1693delinsGTCG, p.Lys564_Lys565delinsValGlu (NM_001354370.2, NM_023106.3).
Identifiers: ClinVar variation 4530560 (VCV004530560.1).